The following is an entry in ClinVar:

ClinVar aggregate classification (germline): Uncertain significance (1 of 4 stars; one submission).

Conditions:
Cardiovascular phenotype. Identifiers: MedGen CN230736.

Submission:

Ambry Genetics
Classification: Uncertain significance for Cardiovascular phenotype. Last evaluated: 2022-11-07. Review status: criteria provided, single submitter. Criteria: Ambry Variant Classification Scheme 2023. Collection method: clinical testing. Allele origin: germline.
Comment: The p.A642T variant (also known as c.1924G>A), located in coding exon 4 of the JPH2 gene, results from a G to A substitution at nucleotide position 1924. The alanine at codon 642 is replaced by threonine, an amino acid with similar properties. This amino acid position is conserved. In addition, this alteration is predicted to be tolerated by in silico analysis. Since supporting evidence is limited at this time, the clinical significance of this alteration remains unclear.

NM_020433.5(JPH2):c.1924G>A (p.Ala642Thr)

Gene: JPH2 (junctophilin 2; minus strand). Cytogenetic location: 20q13.12.
Variant type: single nucleotide variant.
Coding change: c.1924G>A on transcript NM_020433.5 (MANE Select); coding-DNA position 1924, G replaced by A.
Protein change: p.Ala642Thr; replaces alanine 642 with threonine.
Molecular consequence: missense variant.
Genome position (GRCh38, 1-based): chr20:44,115,751, C>T on the plus strand (G>A on the coding strand, the complement: JPH2 is on the minus strand). VCF-style: chr20-44115751-C-T. GRCh37 (hg19) VCF-style: chr20-42744391-C-T.
Other names: short protein forms A642T.
Identifiers: ClinVar variation 2451743 (VCV002451743.2), dbSNP rs2515717710, ClinGen allele CA409099662.